The following is an entry in ClinVar:

ClinVar aggregate classification (germline): Benign. Review status: criteria provided, multiple submitters, no conflicts (2 of 4 stars). 6 submissions from 6 submitters: Benign (6). Last evaluated 2026-02-04.

Conditions:
Orthostatic hypotension 1 (ORTHYP1). Also called: Dopamine beta-hydroxylase deficiency; Orthostatic hypotension 1, due to DBH deficiency; NORADRENALINE DEFICIENCY; NOREPINEPHRINE DEFICIENCY. Identifiers: Orphanet 230, MedGen C4746777, MONDO:0009123, OMIM 223360.

Allele frequency attached by ClinVar (database versions not stated): gnomAD exomes 0.52496 and 0.56615; ESP Exome Variant Server 0.52545; gnomAD 0.54407 and 0.54716; ExAC 0.55707; TOPMed 0.56346; 1000 Genomes Project 30x 0.61446; 1000 Genomes Project 0.62121.
gnomAD v4.1: 850,036 of 1,612,202 alleles (53%); highest among the groups gnomAD compares: East Asian, 90%; 229,337 homozygotes.

Submissions (6):

Labcorp Genetics (formerly Invitae), Labcorp
Classification: Benign for Orthostatic hypotension 1. Last evaluated: 2026-02-04. Review status: criteria provided, single submitter. Criteria: Invitae Variant Classification Sherloc (09022015). Collection method: clinical testing. Allele origin: germline.

Blueprint Genetics
Classification: Benign. Last evaluated: 2024-11-27. Review status: criteria provided, single submitter. Criteria: ACMG Guidelines, 2015. Collection method: clinical testing. Allele origin: germline.

Genome-Nilou Lab
Classification: Benign for Orthostatic hypotension 1. Last evaluated: 2021-07-30. Review status: criteria provided, single submitter. Criteria: ACMG Guidelines, 2015. Collection method: clinical testing. Allele origin: germline. Affected: no.

GeneDx
Classification: Benign. Last evaluated: 2021-05-04. Review status: criteria provided, single submitter. Criteria: GeneDx Variant Classification Process June 2021. Collection method: clinical testing. Allele origin: germline. Affected: yes.

Illumina Laboratory Services, Illumina
Classification: Benign for Orthostatic hypotension 1. Last evaluated: 2018-01-12. Review status: criteria provided, single submitter. Criteria: ICSL Variant Classification Criteria 13 December 2019. Collection method: clinical testing. Allele origin: germline.
Comment: This variant was observed in the ICSL laboratory as part of a predisposition screen in an ostensibly healthy population. It had not been previously curated by ICSL or reported in the Human Gene Mutation Database (HGMD: prior to June 1st, 2018), and was therefore a candidate for classification through an automated scoring system. Utilizing variant allele frequency, disease prevalence and penetrance estimates, and inheritance mode, an automated score was calculated to assess if this variant is too frequent to cause the disease. Based on the score and internal cut-off values, a variant classified as benign is not then subjected to further curation. The score for this variant resulted in a classification of benign for this disease.

Breakthrough Genomics
Classification: Benign. Review status: criteria provided, single submitter. Criteria: ACMG Guidelines, 2015. Collection method: not provided. Allele origin: germline. Inheritance: Autosomal recessive inheritance. Affected: yes.

NM_000787.4(DBH):c.1410A>G (p.Thr470=)

Gene: DBH (dopamine beta-hydroxylase; plus strand). Cytogenetic location: 9q34.2.
Variant type: single nucleotide variant.
Coding change: c.1410A>G on transcript NM_000787.4 (MANE Select); coding-DNA position 1410, A replaced by G.
Protein change: p.Thr470=; no amino-acid change (threonine 470 retained).
Molecular consequence: synonymous variant.
Genome position (GRCh38, 1-based): chr9:133,652,975, A>G. VCF-style: chr9-133652975-A-G. GRCh37 (hg19) VCF-style: chr9-136518097-A-G.
Identifiers: ClinVar variation 365661 (VCV000365661.20), dbSNP rs77905, ClinGen allele CA5313506.